The following is an entry in ClinVar:

NM_181552.4(CUX1):c.4150G>C (p.Asp1384His)

Gene: CUX1 (cut like homeobox 1; plus strand). Cytogenetic location: 7q22.1.
Variant type: single nucleotide variant.
Coding change: c.4150G>C on transcript NM_181552.4 (MANE Select); coding-DNA position 4150, G replaced by C.
Protein change: p.Asp1384His; replaces aspartic acid 1384 with histidine.
Molecular consequence: missense variant. On other transcripts: intron variant (5).
Genome position (GRCh38, 1-based): chr7:102,248,674, G>C. VCF-style: chr7-102248674-G-C. GRCh37 (hg19) VCF-style: chr7-101891954-G-C.
Other names: c.4183G>C, p.Asp1395His (NM_001202543.2); c.1256-24692G>C (NM_001913.5); c.1250-24692G>C (NM_181500.4); c.1118-24692G>C (NM_001202545.3); c.1208-24692G>C (NM_001202544.3); c.1139-24692G>C (NM_001202546.3); short protein forms D1384H, D1395H.
Identifiers: ClinVar variation 2631588 (VCV002631588.1), dbSNP rs2486377763, ClinGen allele CA368669047.

ClinVar aggregate classification (germline): Uncertain significance (1 of 4 stars; one submission).

Conditions:
CUX1-related disorder. Also called: CUX1-related condition.

Allele frequency attached by ClinVar (database versions not stated): gnomAD exomes below 0.00001.
gnomAD v4.1: 1 of 1,309,748 alleles (0.000076%); highest among the groups gnomAD compares: Non-Finnish European, 0.000097%; no homozygotes.

Submission:

PreventionGenetics, part of Exact Sciences
Classification: Uncertain significance for CUX1-related condition. Last evaluated: 2023-07-13. Review status: criteria provided, single submitter. Criteria: ACMG Guidelines, 2015. Collection method: clinical testing. Allele origin: germline.
Comment: The CUX1 c.4183G>C variant is predicted to result in the amino acid substitution p.Asp1395His. To our knowledge, this variant has not been reported in the literature or in a large population database, indicating this variant is rare. At this time, the clinical significance of this variant is uncertain due to the absence of conclusive functional and genetic evidence.